The following is an entry in ClinVar:

NM_032119.4(ADGRV1):c.6202C>A (p.Pro2068Thr)

Gene: ADGRV1 (adhesion G protein-coupled receptor V1; plus strand). Cytogenetic location: 5q14.3.
Variant type: single nucleotide variant.
Coding change: c.6202C>A on transcript NM_032119.4 (MANE Select); coding-DNA position 6202, C replaced by A.
Protein change: p.Pro2068Thr; replaces proline 2068 with threonine.
Molecular consequence: missense variant. On other transcripts: non-coding transcript variant (1).
Genome position (GRCh38, 1-based): chr5:90,684,123, C>A. VCF-style: chr5-90684123-C-A. GRCh37 (hg19) VCF-style: chr5-89979940-C-A.
Other names: short protein forms P2068T.
Identifiers: ClinVar variation 967862 (VCV000967862.8), dbSNP rs1745300201, ClinGen allele CA360414350.

ClinVar aggregate classification (germline): Uncertain significance (1 of 4 stars; one submission).

gnomAD v4.1: 1 of 1,613,726 alleles (0.000062%); highest among the groups gnomAD compares: South Asian, 0.0011%; no homozygotes.

Submission:

Labcorp Genetics (formerly Invitae), Labcorp
Classification: Uncertain significance. Last evaluated: 2025-04-07. Review status: criteria provided, single submitter. Criteria: Invitae Variant Classification Sherloc (09022015). Collection method: clinical testing. Allele origin: germline.
Comment: This sequence change replaces proline, which is neutral and non-polar, with threonine, which is neutral and polar, at codon 2068 of the ADGRV1 protein (p.Pro2068Thr). This variant is not present in population databases (gnomAD no frequency). This variant has not been reported in the literature in individuals affected with ADGRV1-related conditions. ClinVar contains an entry for this variant (Variation ID: 967862). Invitae Evidence Modeling of protein sequence and biophysical properties (such as structural, functional, and spatial information, amino acid conservation, physicochemical variation, residue mobility, and thermodynamic stability) indicates that this missense variant is not expected to disrupt ADGRV1 protein function with a negative predictive value of 95%. In summary, the available evidence is currently insufficient to determine the role of this variant in disease. Therefore, it has been classified as a Variant of Uncertain Significance.